The following is an entry in ClinVar:

ClinVar aggregate classification (germline): Uncertain significance (1 of 4 stars; one submission).

Submission:

GeneDx
Classification: Uncertain significance. Last evaluated: 2025-12-28. Review status: criteria provided, single submitter. Criteria: GeneDx Variant Classification Process June 2021. Collection method: clinical testing. Allele origin: germline. Affected: yes.
Comment: Not observed at significant frequency in large population cohorts (gnomAD); In silico analysis supports that this missense variant has a deleterious effect on protein structure/function; Has not been previously published as pathogenic or benign to our knowledge

NM_001003694.2(BRPF1):c.3088G>C (p.Gly1030Arg)

Gene: BRPF1 (bromodomain and PHD finger containing 1; plus strand). Cytogenetic location: 3p25.3.
Variant type: single nucleotide variant.
Coding change: c.3088G>C on transcript NM_001003694.2 (MANE Select); coding-DNA position 3088, G replaced by C.
Protein change: p.Gly1030Arg; replaces glycine 1030 with arginine.
Molecular consequence: missense variant. On other transcripts: non-coding transcript variant (1).
Genome position (GRCh38, 1-based): chr3:9,745,592, G>C. VCF-style: chr3-9745592-G-C. GRCh37 (hg19) VCF-style: chr3-9787276-G-C.
Other names: c.2785G>C, p.Gly929Arg (NM_001319049.2); c.3067G>C, p.Gly1023Arg (NM_001319050.2); c.3085G>C, p.Gly1029Arg (NM_001410704.1); c.3070G>C, p.Gly1024Arg (NM_004634.3); short protein forms G1023R, G1024R, G1029R, G1030R, G929R.
Identifiers: ClinVar variation 3600707 (VCV003600707.2).